The following is an entry in ClinVar:

NM_001220.5(CAMK2B):c.1849A>G (p.Ile617Val)

Gene: CAMK2B (calcium/calmodulin dependent protein kinase II beta; minus strand). Cytogenetic location: 7p13.
Variant type: single nucleotide variant.
Coding change: c.1849A>G on transcript NM_001220.5 (MANE Select); coding-DNA position 1849, A replaced by G.
Protein change: p.Ile617Val; replaces isoleucine 617 with valine.
Molecular consequence: missense variant.
Genome position (GRCh38, 1-based): chr7:44,220,214, T>C on the plus strand (A>G on the coding strand, the complement: CAMK2B is on the minus strand). VCF-style: chr7-44220214-T-C. GRCh37 (hg19) VCF-style: chr7-44259813-T-C.
Other names: c.1477A>G, p.Ile493Val (NM_001293170.2, NM_172078.3); c.1405A>G, p.Ile469Val (NM_172079.3); c.1402A>G, p.Ile468Val (NM_172080.3); c.1360A>G, p.Ile454Val (NM_172081.3); c.1327A>G, p.Ile443Val (NM_172082.3); c.1288A>G, p.Ile430Val (NM_172083.3); c.1198A>G, p.Ile400Val (NM_172084.3); short protein forms I400V, I493V, I617V, I430V, I443V, I468V, I469V, I454V.
Identifiers: ClinVar variation 2792711 (VCV002792711.3), dbSNP rs754439797, ClinGen allele CA4240085.

ClinVar aggregate classification (germline): Uncertain significance (1 of 4 stars; one submission).

Allele frequency attached by ClinVar (database versions not stated): ExAC 0.00001; gnomAD exomes 0.00001.
gnomAD v4.1: 3 of 1,613,386 alleles (0.00019%); highest among the groups gnomAD compares: Admixed American, 0.0017%; no homozygotes.

Submission:

Labcorp Genetics (formerly Invitae), Labcorp
Classification: Uncertain significance. Last evaluated: 2022-11-15. Review status: criteria provided, single submitter. Criteria: Invitae Variant Classification Sherloc (09022015). Collection method: clinical testing. Allele origin: germline.
Comment: In summary, the available evidence is currently insufficient to determine the role of this variant in disease. Therefore, it has been classified as a Variant of Uncertain Significance. Algorithms developed to predict the effect of missense changes on protein structure and function are either unavailable or do not agree on the potential impact of this missense change (SIFT: "Deleterious"; PolyPhen-2: "Benign"; Align-GVGD: "Class C25"). This variant has not been reported in the literature in individuals affected with CAMK2B-related conditions. This variant is present in population databases (rs754439797, gnomAD 0.003%). This sequence change replaces isoleucine, which is neutral and non-polar, with valine, which is neutral and non-polar, at codon 617 of the CAMK2B protein (p.Ile617Val).